The following is an entry in ClinVar:

ClinVar aggregate classification (germline): Benign. Review status: criteria provided, multiple submitters, no conflicts (2 of 4 stars). 2 submissions from 2 submitters: Benign (2). Last evaluated 2018-01-13.

Conditions:
Mitochondrial complex V (ATP synthase) deficiency, nuclear type 2. Also called: Nuclear-Encoded ATPase Deficiency, TMEM70-Related; ENCEPHALOCARDIOMYOPATHY, MITOCHONDRIAL, NEONATAL, DUE TO ATP SYNTHASE DEFICIENCY; MITOCHONDRIAL COMPLEX V (ATP SYNTHASE) DEFICIENCY, TMEM70 TYPE. Identifiers: Orphanet 1194, MedGen C3279699, MONDO:0013546, OMIM 614052.

Allele frequency attached by ClinVar (database versions not stated): gnomAD exomes 0.00075 and 0.00142; TOPMed 0.00647; 1000 Genomes Project 0.00699; ExAC 0.00373; gnomAD 0.00565 and 0.00608; 1000 Genomes Project 30x 0.00593.

Submissions (2):

Illumina Laboratory Services, Illumina
Classification: Benign for Mitochondrial complex V (ATP synthase) deficiency, nuclear type 2. Last evaluated: 2018-01-13. Review status: criteria provided, single submitter. Criteria: ICSL Variant Classification Criteria 13 December 2019. Collection method: clinical testing. Allele origin: germline.
Comment: This variant was observed in the ICSL laboratory as part of a predisposition screen in an ostensibly healthy population. It had not been previously curated by ICSL or reported in the Human Gene Mutation Database (HGMD: prior to June 1st, 2018), and was therefore a candidate for classification through an automated scoring system. Utilizing variant allele frequency, disease prevalence and penetrance estimates, and inheritance mode, an automated score was calculated to assess if this variant is too frequent to cause the disease. Based on the score and internal cut-off values, a variant classified as benign is not then subjected to further curation. The score for this variant resulted in a classification of benign for this disease.

Breakthrough Genomics
Classification: Benign. Review status: criteria provided, single submitter. Criteria: ACMG Guidelines, 2015. Collection method: not provided. Allele origin: germline. Inheritance: Autosomal recessive inheritance. Affected: yes.

NM_017866.6(TMEM70):c.*502C>A

Gene: TMEM70 (transmembrane protein 70; plus strand). Cytogenetic location: 8q21.11.
Variant type: single nucleotide variant.
Coding change: c.*502C>A on transcript NM_017866.6 (MANE Select); 502 bases downstream of the stop codon, C replaced by A.
Molecular consequence: 3 prime UTR variant. On other transcripts: non-coding transcript variant (1).
Genome position (GRCh38, 1-based): chr8:73,982,123, C>A. VCF-style: chr8-73982123-C-A. GRCh37 (hg19) VCF-style: chr8-74894358-C-A.
Other names: c.*975C>A (NM_001040613.3).
Identifiers: ClinVar variation 363703 (VCV000363703.6), dbSNP rs76016906, ClinGen allele CA4784168.